The following is an entry in ClinVar:

ClinVar aggregate classification (germline): Uncertain significance (1 of 4 stars; one submission).

Conditions:
Charcot-Marie-Tooth disease type 2. Also called: Charcot-Marie-Tooth type 2. Identifiers: Orphanet 64746, MedGen C0270914, MONDO:0018993.

Submission:

Labcorp Genetics (formerly Invitae), Labcorp
Classification: Uncertain significance for Charcot-Marie-Tooth disease type 2. Last evaluated: 2024-11-18. Review status: criteria provided, single submitter. Criteria: Invitae Variant Classification Sherloc (09022015). Collection method: clinical testing. Allele origin: germline.
Comment: This sequence change creates a premature translational stop signal (p.Tyr295*) in the GARS gene. It is expected to result in an absent or disrupted protein product. However, the current clinical and genetic evidence is not sufficient to establish whether loss-of-function variants in GARS cause disease. This variant is not present in population databases (gnomAD no frequency). This variant has not been reported in the literature in individuals affected with GARS-related conditions. ClinVar contains an entry for this variant (Variation ID: 2108555). In summary, the available evidence is currently insufficient to determine the role of this variant in disease. Therefore, it has been classified as a Variant of Uncertain Significance.

NM_002047.4(GARS1):c.884dup (p.Tyr295Ter)

Gene: GARS1 (glycyl-tRNA synthetase 1; plus strand). Cytogenetic location: 7p14.3.
Variant type: Duplication.
Coding change: c.884dup on transcript NM_002047.4 (MANE Select); coding-DNA position 884, one base duplicated (A; older notation c.884dupA).
Protein change: p.Tyr295Ter; replaces tyrosine 295 with a stop codon.
Molecular consequence: nonsense.
Genome position (GRCh38, 1-based): chr7:30,612,098, A duplicated. VCF-style (leftmost placement, unchanged base first): chr7-30612097-T-TA. GRCh37 (hg19) VCF-style: chr7-30651713-T-TA.
Other names: c.722dup, p.Tyr241Ter (NM_001316772.1); short protein forms Y295*, Y241*.
Identifiers: ClinVar variation 2108555 (VCV002108555.4), dbSNP rs2534305843, ClinGen allele CA2580077043.